The following is an entry in ClinVar:

NM_000426.4(LAMA2):c.6992+1G>T

Gene: LAMA2 (laminin subunit alpha 2; plus strand). Cytogenetic location: 6q22.33.
Variant type: single nucleotide variant.
Coding change: c.6992+1G>T on transcript NM_000426.4 (MANE Select); the canonical splice donor site of the intron after coding-DNA position 6992, G replaced by T.
Molecular consequence: splice donor variant.
Genome position (GRCh38, 1-based): chr6:129,460,325, G>T. VCF-style: chr6-129460325-G-T. GRCh37 (hg19) VCF-style: chr6-129781470-G-T.
Other names: c.6992+1G>T (NM_001079823.2).
Identifiers: ClinVar variation 1518453 (VCV001518453.6), dbSNP rs1256470015, ClinGen allele CA365619482.

ClinVar aggregate classification (germline): Likely pathogenic (1 of 4 stars; one submission).

Conditions:
LAMA2-related muscular dystrophy (LAMA2-RD). Also called: Laminin alpha 2-related dystrophy. Identifiers: MedGen C5679788, MONDO:0100228.

Allele frequency attached by ClinVar (database versions not stated): gnomAD 0.00001.
gnomAD v4.1: 1 of 1,611,832 alleles (0.000062%); highest among the groups gnomAD compares: Non-Finnish European, 0.000085%; no homozygotes.

Submission:

Labcorp Genetics (formerly Invitae), Labcorp
Classification: Likely pathogenic for LAMA2-related muscular dystrophy. Last evaluated: 2021-07-29. Review status: criteria provided, single submitter. Criteria: Invitae Variant Classification Sherloc (09022015). Collection method: clinical testing. Allele origin: germline.
Comment: In summary, the currently available evidence indicates that the variant is pathogenic, but additional data are needed to prove that conclusively. Therefore, this variant has been classified as Likely Pathogenic. Algorithms developed to predict the effect of sequence changes on RNA splicing suggest that this variant may disrupt the consensus splice site. This variant has not been reported in the literature in individuals affected with LAMA2-related conditions. This variant is not present in population databases (ExAC no frequency). This sequence change affects a donor splice site in intron 49 of the LAMA2 gene. It is expected to disrupt RNA splicing. Variants that disrupt the donor or acceptor splice site typically lead to a loss of protein function (PMID: 16199547), and loss-of-function variants in LAMA2 are known to be pathogenic (PMID: 18700894).

Literature cited by the submitters: PubMed 16199547; PubMed 18700894.